The following is an entry in ClinVar:

ClinVar aggregate classification (germline): Uncertain significance (1 of 4 stars; one submission).

Submission:

GeneDx
Classification: Uncertain significance. Last evaluated: 2025-06-27. Review status: criteria provided, single submitter. Criteria: GeneDx Variant Classification Process June 2021. Collection method: clinical testing. Allele origin: germline. Affected: yes.
Comment: Not observed at significant frequency in large population cohorts (gnomAD); In silico analysis suggests that this missense variant does not alter protein structure/function; Has not been previously published as pathogenic or benign to our knowledge

NM_013275.6(ANKRD11):c.7395C>G (p.Cys2465Trp)

Gene: ANKRD11 (ankyrin repeat domain 11; minus strand). Cytogenetic location: 16q24.3.
Variant type: single nucleotide variant.
Coding change: c.7395C>G on transcript NM_013275.6 (MANE Select); coding-DNA position 7395, C replaced by G.
Protein change: p.Cys2465Trp; replaces cysteine 2465 with tryptophan.
Molecular consequence: missense variant.
Genome position (GRCh38, 1-based): chr16:89,279,147, G>C on the plus strand (C>G on the coding strand, the complement: ANKRD11 is on the minus strand). VCF-style: chr16-89279147-G-C. GRCh37 (hg19) VCF-style: chr16-89345555-G-C.
Other names: c.7395C>G, p.Cys2465Trp (NM_001256182.2, NM_001256183.2); short protein forms C2465W.
Identifiers: ClinVar variation 4539859 (VCV004539859.1).